The following is an entry in ClinVar:

NM_021008.4(DEAF1):c.87C>G (p.Ala29=)

Gene: DEAF1 (DEAF1 transcription factor; minus strand). Cytogenetic location: 11p15.5.
Variant type: single nucleotide variant.
Coding change: c.87C>G on transcript NM_021008.4 (MANE Select); coding-DNA position 87, C replaced by G.
Protein change: p.Ala29=; no amino-acid change (alanine 29 retained).
Molecular consequence: synonymous variant. On other transcripts: intron variant (1).
Genome position (GRCh38, 1-based): chr11:694,961, G>C on the plus strand (C>G on the coding strand, the complement: DEAF1 is on the minus strand). VCF-style: chr11-694961-G-C. GRCh37 (hg19) VCF-style: chr11-694961-G-C.
Other names: c.87C>G, p.Ala29= (NM_001293634.2); c.-437-3363C>G (NM_001367390.1).
Identifiers: ClinVar variation 2988218 (VCV002988218.23), dbSNP rs1209679642, ClinGen allele CA472437904.
Genomic context (GRCh38, chr11:694,961, plus strand): 5'-CTCCGAGTCCTCGTCCCTGCTCAGCACCGGCTCCTCCGCCTCGCCTCCTGCCGCGGCCGC[G>C]GCCGCCGCCGCCACAGCGGCCGCGGCCGCCACCGCCGCCGCCTCAGCCAGGCCCAGCTGC-3'
Protein context (NP_066288.2, residues 19-39): VAAAAAVAAA[Ala29=]AAAAGGEAEE

ClinVar aggregate classification (germline): Likely benign. Review status: criteria provided, multiple submitters, no conflicts (2 of 4 stars). 2 submissions from 2 submitters: Likely benign (2). Last evaluated 2025-10-26.

Allele frequency attached by ClinVar (database versions not stated): gnomAD exomes below 0.00001.
gnomAD v4.1: 4 of 1,157,328 alleles (0.00035%); highest among the groups gnomAD compares: Non-Finnish European, 0.00043%; no homozygotes.

Submissions (2):

Labcorp Genetics (formerly Invitae), Labcorp
Classification: Likely benign. Last evaluated: 2025-10-26. Review status: criteria provided, single submitter. Criteria: Invitae Variant Classification Sherloc (09022015). Collection method: clinical testing. Allele origin: germline.

CeGaT Center for Human Genetics Tuebingen
Classification: Likely benign. Last evaluated: 2024-04-01. Review status: criteria provided, single submitter. Criteria: CeGaT Center For Human Genetics Tuebingen Variant Classification Criteria Version 2. Collection method: clinical testing. Allele origin: germline. Affected: yes. Observed: 1 variant allele.
Comment: DEAF1: BP4, BP7